The following is an entry in ClinVar:

ClinVar aggregate classification (germline): Likely benign (1 of 4 stars; one submission).

Allele frequency attached by ClinVar (database versions not stated): TOPMed 0.00013; ExAC 0.00016; gnomAD exomes 0.00008; gnomAD 0.00009.
gnomAD v4.1: 138 of 1,606,856 alleles (0.0086%); highest among the groups gnomAD compares: Admixed American, 0.012%; no homozygotes.

Submission:

CeGaT Center for Human Genetics Tuebingen
Classification: Likely benign. Last evaluated: 2022-03-01. Review status: criteria provided, single submitter. Criteria: CeGaT Center For Human Genetics Tuebingen Variant Classification Criteria Version 2. Collection method: clinical testing. Allele origin: germline. Affected: yes. Observed: 1 variant allele.
Comment: ABCA7: BP4

NM_019112.4(ABCA7):c.3317C>T (p.Thr1106Met)

Gene: ABCA7 (ATP binding cassette subfamily A member 7; plus strand). Cytogenetic location: 19p13.3.
Variant type: single nucleotide variant.
Coding change: c.3317C>T on transcript NM_019112.4 (MANE Select); coding-DNA position 3317, C replaced by T.
Protein change: p.Thr1106Met; replaces threonine 1106 with methionine.
Molecular consequence: missense variant.
Genome position (GRCh38, 1-based): chr19:1,053,425, C>T. VCF-style: chr19-1053425-C-T. GRCh37 (hg19) VCF-style: chr19-1053424-C-T.
Other names: short protein forms T1106M.
Identifiers: ClinVar variation 2648892 (VCV002648892.24), dbSNP rs746375847, ClinGen allele CA9033988.